The following is an entry in ClinVar:

ClinVar aggregate classification (germline): Uncertain significance. Review status: criteria provided, multiple submitters, no conflicts (2 of 4 stars). 4 submissions from 4 submitters: Uncertain significance (4). Last evaluated 2025-05-08.

Conditions:
ZNF469-related disorder. Also called: ZNF469-related condition.
Cardiovascular phenotype. Identifiers: MedGen CN230736.
Ehlers-Danlos syndrome (EDS). Identifiers: Orphanet 98249, MedGen C0013720, MONDO:0020066.

Allele frequency attached by ClinVar (database versions not stated): gnomAD 0.00001; TOPMed 0.00001; ExAC 0.00005.
gnomAD v4.1: 69 of 1,550,260 alleles (0.0045%); highest among the groups gnomAD compares: Non-Finnish European, 0.0055%; no homozygotes.

Submissions (4):

PreventionGenetics, part of Exact Sciences
Classification: Uncertain significance for ZNF469-related condition. Last evaluated: 2025-05-08. Review status: criteria provided, single submitter. Criteria: ACMG Guidelines, 2015. Collection method: clinical testing. Allele origin: germline.
Comment: The ZNF469 c.7543C>T variant is predicted to result in the amino acid substitution p.Arg2515Trp. To our knowledge, this variant has not been reported in the literature. This variant is reported in 0.0092% of alleles in individuals of East Asian descent in gnomAD. At this time, the clinical significance of this variant is uncertain due to the absence of conclusive functional and genetic evidence.

Ambry Genetics
Classification: Uncertain significance for Cardiovascular phenotype. Last evaluated: 2024-09-11. Review status: criteria provided, single submitter. Criteria: Ambry Variant Classification Scheme 2023. Collection method: clinical testing. Allele origin: germline.

Labcorp Genetics (formerly Invitae), Labcorp
Classification: Uncertain significance. Last evaluated: 2024-08-05. Review status: criteria provided, single submitter. Criteria: Invitae Variant Classification Sherloc (09022015). Collection method: clinical testing. Allele origin: germline.
Comment: This sequence change replaces arginine, which is basic and polar, with tryptophan, which is neutral and slightly polar, at codon 2515 of the ZNF469 protein (p.Arg2515Trp). This variant is present in population databases (rs747677679, gnomAD 0.01%). This variant has not been reported in the literature in individuals affected with ZNF469-related conditions. ClinVar contains an entry for this variant (Variation ID: 1702150). An algorithm developed to predict the effect of missense changes on protein structure and function (PolyPhen-2) suggests that this variant is likely to be tolerated. In summary, the available evidence is currently insufficient to determine the role of this variant in disease. Therefore, it has been classified as a Variant of Uncertain Significance.

Genome Diagnostics Laboratory, The Hospital for Sick Children
Classification: Uncertain significance for Ehlers-Danlos syndrome. Last evaluated: 2020-01-01. Review status: criteria provided, single submitter. Criteria: ACMG Guidelines, 2015. Collection method: clinical testing. Allele origin: germline.

NM_001367624.2(ZNF469):c.7627C>T (p.Arg2543Trp)

Gene: ZNF469 (zinc finger protein 469; plus strand). Cytogenetic location: 16q24.2.
Variant type: single nucleotide variant.
Coding change: c.7627C>T on transcript NM_001367624.2 (MANE Select); coding-DNA position 7627, C replaced by T.
Protein change: p.Arg2543Trp; replaces arginine 2543 with tryptophan.
Molecular consequence: missense variant.
Genome position (GRCh38, 1-based): chr16:88,435,097, C>T. VCF-style: chr16-88435097-C-T. GRCh37 (hg19) VCF-style: chr16-88501505-C-T.
Other names: NM_001127464.2:c.7543C>T; NM_001127464.1:c.7543C>T; short protein forms R2543W.
Identifiers: ClinVar variation 1702150 (VCV001702150.9), dbSNP rs747677679, ClinGen allele CA8225269.
Genomic context (GRCh38, chr16:88,435,097, plus strand): 5'-TGCCAGCCGCCCAGGAAGAAAAGCCACAGGGTGTCTGGGAAGGAGAGACCAAATCACTCA[C>T]GGGGAGACCCCAGCCACGTCACCCAGCCACCGCCTGCCCAGGGCTCAAAGGAGGTTCTCA-3'
Protein context (NP_001354553.1, residues 2533-2553): VSGKERPNHS[Arg2543Trp]GDPSHVTQPP